The following is an entry in ClinVar:

ClinVar aggregate classification (germline): Uncertain significance (1 of 4 stars; one submission).

Conditions:
Inborn genetic diseases. Identifiers: MedGen C0950123, MeSH D030342.

gnomAD v4.1: 1 of 1,613,042 alleles (0.000062%); highest among the groups gnomAD compares: Admixed American, 0.0017%; no homozygotes.

Submission:

Ambry Genetics
Classification: Uncertain significance for Inborn genetic diseases. Last evaluated: 2025-10-30. Review status: criteria provided, single submitter. Criteria: Ambry Variant Classification Scheme 2023. Collection method: clinical testing. Allele origin: germline.
Comment: The p.D592H variant (also known as c.1774G>C), located in coding exon 1 of the SAMD9L gene, results from a G to C substitution at nucleotide position 1774. The aspartic acid at codon 592 is replaced by histidine, an amino acid with similar properties. This amino acid position is conserved. In addition, this alteration is predicted to be tolerated by in silico analysis. Based on the available evidence, the clinical significance of this variant remains unclear.

NM_152703.5(SAMD9L):c.1774G>C (p.Asp592His)

Gene: SAMD9L (sterile alpha motif domain containing 9 like; minus strand). Cytogenetic location: 7q21.2.
Variant type: single nucleotide variant.
Coding change: c.1774G>C on transcript NM_152703.5 (MANE Select); coding-DNA position 1774, G replaced by C.
Protein change: p.Asp592His; replaces aspartic acid 592 with histidine.
Molecular consequence: missense variant.
Genome position (GRCh38, 1-based): chr7:93,134,198, C>G on the plus strand (G>C on the coding strand, the complement: SAMD9L is on the minus strand). VCF-style: chr7-93134198-C-G. GRCh37 (hg19) VCF-style: chr7-92763511-C-G.
Other names: c.1774G>C, p.Asp592His (NM_001303496.3, NM_001303497.3, NM_001303498.3 and 5 more transcripts); short protein forms D592H.
Identifiers: ClinVar variation 4630091 (VCV004630091.1).
Genomic context (GRCh38, chr7:93,134,198, plus strand): 5'-AAGTGGAAATACTGTGGTTTGTTAGTTCATCTTCCATCTTCATTCTTGTTTGTAGTAGAT[C>G]TTTCCATCGTTGATAAATATGTGAGTTTACAGAGATACACAACATATTTTCCATTCCTTT-3'
Protein context (NP_689916.2, residues 582-602): VNSHIYQRWK[Asp592His]LLQTRMKMED